The following is an entry in ClinVar:

NM_006267.5(RANBP2):c.7284T>G (p.Val2428=)

Gene: RANBP2 (RAN binding protein 2; plus strand). Cytogenetic location: 2q13.
Variant type: single nucleotide variant.
Coding change: c.7284T>G on transcript NM_006267.5 (MANE Select); coding-DNA position 7284, T replaced by G.
Protein change: p.Val2428=; no amino-acid change (valine 2428 retained).
Molecular consequence: synonymous variant.
Genome position (GRCh38, 1-based): chr2:108,767,823, T>G. VCF-style: chr2-108767823-T-G. GRCh37 (hg19) VCF-style: chr2-109384279-T-G.
Other names: c.7284T>G, p.Val2428= (NM_001415873.1, NM_001415871.1); c.7281T>G, p.Val2427= (NM_001415872.1).
Identifiers: ClinVar variation 4280901 (VCV004280901.7).

ClinVar aggregate classification (germline): Likely benign (1 of 4 stars; one submission).

Submission:

CeGaT Center for Human Genetics Tuebingen
Classification: Likely benign. Last evaluated: 2025-09-01. Review status: criteria provided, single submitter. Criteria: CeGaT Center For Human Genetics Tuebingen Variant Classification Criteria Version 2. Collection method: clinical testing. Allele origin: germline. Affected: yes. Observed: 1 variant allele.
Comment: RANBP2: BP4, BP7